The following is an entry in ClinVar:

ClinVar aggregate classification (germline): Uncertain significance (1 of 4 stars; one submission).

Conditions:
Inborn genetic diseases. Identifiers: MedGen C0950123, MeSH D030342.

Submission:

Ambry Genetics
Classification: Uncertain significance for Inborn genetic diseases. Last evaluated: 2018-02-07. Review status: criteria provided, single submitter. Criteria: Ambry Variant Classification Scheme 2023. Collection method: clinical testing. Allele origin: germline.
Comment: The p.F283Y variant (also known as c.848T>A), located in coding exon 3 of the HNRNPU gene, results from a T to A substitution at nucleotide position 848. The phenylalanine at codon 283 is replaced by tyrosine, an amino acid with highly similar properties. This amino acid position is highly conserved in available vertebrate species. In addition, this alteration is predicted to be tolerated by in silico analysis. Since supporting evidence is limited at this time, the clinical significance of this alteration remains unclear.

NM_031844.3(HNRNPU):c.848T>A (p.Phe283Tyr)

Gene: HNRNPU (heterogeneous nuclear ribonucleoprotein U; minus strand). Cytogenetic location: 1q44.
Variant type: single nucleotide variant.
Coding change: c.848T>A on transcript NM_031844.3 (MANE Select); coding-DNA position 848, T replaced by A.
Protein change: p.Phe283Tyr; replaces phenylalanine 283 with tyrosine.
Molecular consequence: missense variant.
Genome position (GRCh38, 1-based): chr1:244,862,490, A>T on the plus strand (T>A on the coding strand, the complement: HNRNPU is on the minus strand). VCF-style: chr1-244862490-A-T. GRCh37 (hg19) VCF-style: chr1-245025792-A-T.
Other names: c.791T>A, p.Phe264Tyr (NM_004501.3); short protein forms F264Y, F283Y.
Identifiers: ClinVar variation 1763575 (VCV001763575.2), dbSNP rs2527889989, ClinGen allele CA345495074.